The following is an entry in ClinVar:

NM_000132.4(F8):c.319C>T (p.Leu107Phe)

Gene: F8 (coagulation factor VIII; minus strand). Cytogenetic location: Xq28.
Variant type: single nucleotide variant.
Coding change: c.319C>T on transcript NM_000132.4 (MANE Select); coding-DNA position 319, C replaced by T.
Protein change: p.Leu107Phe; replaces leucine 107 with phenylalanine.
Molecular consequence: missense variant.
Genome position (GRCh38, 1-based): chrX:154,997,042, G>A on the plus strand (C>T on the coding strand, the complement: F8 is on the minus strand). VCF-style: chrX-154997042-G-A. GRCh37 (hg19) VCF-style: chrX-154225317-G-A.
Other names: short protein forms L107F.
Identifiers: ClinVar variation 3907208 (VCV003907208.1).
Genomic context (GRCh38, chrX:154,997,042, plus strand): 5'-CTTTCCAGTAGGATACACCAACAGCATGAAGACTGACAGGATGGGAAGCCATGTTCTTAA[G>A]TGTAATGACCACTGTATCATAAACCTCAGCCTGGATGGTAGGACCTAGCAGACCTGTAAG-3'
Protein context (NP_000123.1, residues 97-117): AEVYDTVVIT[Leu107Phe]KNMASHPVSL

ClinVar aggregate classification (germline): Uncertain significance (1 of 4 stars; one submission).

Submission:

Women's Health and Genetics/Laboratory Corporation of America, LabCorp
Classification: Uncertain significance. Last evaluated: 2025-06-11. Review status: criteria provided, single submitter. Criteria: LabCorp Variant Classification Summary - May 2015. Collection method: clinical testing. Allele origin: germline.
Comment: Variant summary: F8 c.319C>T (p.Leu107Phe) results in a non-conservative amino acid change in the encoded protein sequence. Algorithms developed to predict the effect of missense changes on protein structure and function are either unavailable or do not agree on the potential impact of this missense change. The variant was absent in 183423 control chromosomes. The available data on variant occurrences in the general population are insufficient to allow any conclusion about variant significance. c.319C>T has been observed in a Hemophilia A cohort without evidence of causality (Green_2008). These report(s) do not provide unequivocal conclusions about association of the variant with Factor VIII Deficiency (Hemophilia A). To our knowledge, no experimental evidence demonstrating an impact on protein function has been reported. The following publication have been ascertained in the context of this evaluation (PMID: 18691168). No submitters have cited clinical-significance assessments for this variant to ClinVar. Based on the evidence outlined above, the variant was classified as uncertain significance.

Literature cited by the submitters: PubMed 18691168.